The following is an entry in ClinVar:

NC_000018.9:g.(?_6942078)_(7050955_?)dup

Gene: LAMA1 (laminin subunit alpha 1; minus strand). Cytogenetic location: 18p11.31.
Variant type: Duplication.
Identifiers: ClinVar variation 2425371 (VCV002425371.4).

ClinVar aggregate classification (germline): Uncertain significance (1 of 4 stars; one submission).

Submission:

Labcorp Genetics (formerly Invitae), Labcorp
Classification: Uncertain significance. Last evaluated: 2022-03-19. Review status: criteria provided, single submitter. Criteria: Invitae Variant Classification Sherloc (09022015). Collection method: clinical testing. Allele origin: germline.
Comment: In summary, the available evidence is currently insufficient to determine the role of this variant in disease. Therefore, it has been classified as a Variant of Uncertain Significance. Experimental studies and prediction algorithms are not available or were not evaluated, and the functional significance of this variant is currently unknown. This variant has not been reported in the literature in individuals affected with LAMA1-related conditions. This variant results in a copy number gain of the genomic region encompassing exon(s) 4-63 of the LAMA1 gene. This region includes the termination codon of the gene. This copy number gain extends beyond the assayed region for this gene and therefore may encompass additional genes. As the precise location of this event is unknown, it may be in tandem or it may be located elsewhere in the genome.